The following is an entry in ClinVar:

ClinVar aggregate classification (germline): Pathogenic (1 of 4 stars; one submission).

Conditions:
Greig cephalopolysyndactyly syndrome (GCPS). Also called: POLYSYNDACTYLY WITH PECULIAR SKULL SHAPE; Greig syndrome; GLI3-Related Greig Cephalopolysyndactyly Syndrome. Identifiers: Orphanet 380, MedGen C0265306, MONDO:0008287, OMIM 175700.
Pallister-Hall syndrome (PHS). Also called: HYPOTHALAMIC HAMARTOBLASTOMA, HYPOPITUITARISM, IMPERFORATE ANUS, AND POSTAXIAL POLYDACTYLY; GLI3-Related Pallister-Hall Syndrome. Identifiers: Orphanet 672, MedGen C0265220, MONDO:0007804, OMIM 146510.

Submission:

Labcorp Genetics (formerly Invitae), Labcorp
Classification: Pathogenic for Pallister-Hall syndrome; Greig cephalopolysyndactyly syndrome. Last evaluated: 2022-08-25. Review status: criteria provided, single submitter. Criteria: Invitae Variant Classification Sherloc (09022015). Collection method: clinical testing. Allele origin: germline.
Comment: For these reasons, this variant has been classified as Pathogenic. This variant disrupts a region of the GLI3 protein in which other variant(s) (p.Gln1503*) have been determined to be pathogenic (PMID: 30235038). This suggests that this is a clinically significant region of the protein, and that variants that disrupt it are likely to be disease-causing. This variant has not been reported in the literature in individuals affected with GLI3-related conditions. This variant is not present in population databases (gnomAD no frequency). This sequence change creates a premature translational stop signal (p.Leu1216Profs*8) in the GLI3 gene. While this is not anticipated to result in nonsense mediated decay, it is expected to disrupt the last 365 amino acid(s) of the GLI3 protein.

Literature cited by the submitters: PubMed 30235038.

NM_000168.6(GLI3):c.3647_3665del (p.Leu1216fs)

Gene: GLI3 (GLI family zinc finger 3; minus strand). Cytogenetic location: 7p14.1.
Variant type: Deletion.
Coding change: c.3647_3665del on transcript NM_000168.6 (MANE Select); coding-DNA positions 3647 to 3665, 19 bases deleted (TCGGGGAGAACAGCAACCC).
Protein change: p.Leu1216fs; shifts the reading frame from leucine 1216.
Molecular consequence: frameshift variant.
Genome position (GRCh38, 1-based): chr7:41,965,408-41,965,426, GGGTTGCTGTTCTCCCCGA deleted on the plus strand (TCGGGGAGAACAGCAACCC on the coding strand, the reverse complement: GLI3 is on the minus strand); deleting any 19 consecutive bases within chr7:41,965,408-41,965,430 gives the same sequence; the c. name uses the placement nearest the transcript's 3' end. VCF-style (leftmost placement, unchanged base first): chr7-41965407-GGGGTTGCTGTTCTCCCCGA-G. GRCh37 (hg19) VCF-style: chr7-42005005-GGGGTTGCTGTTCTCCCCGA-G.
Other names: short protein forms L1216fs.
Identifiers: ClinVar variation 2027027 (VCV002027027.4), dbSNP rs2484370505, ClinGen allele CA2580077119.